The following is an entry in ClinVar:

NM_000498.3(CYP11B2):c.1120C>T (p.Arg374Trp)

Genes: CYP11B2 (cytochrome P450 family 11 subfamily B member 2; minus strand), LOC106799834 (CYP11B2 recombination region; plus strand). Cytogenetic location: 8q24.3.
Variant type: single nucleotide variant.
Coding change: c.1120C>T on transcript NM_000498.3 (MANE Select); coding-DNA position 1120, C replaced by T.
Protein change: p.Arg374Trp; replaces arginine 374 with tryptophan.
Molecular consequence: missense variant.
Genome position (GRCh38, 1-based): chr8:142,913,286, G>A on the plus strand (C>T on the coding strand, the complement: CYP11B2 is on the minus strand). VCF-style: chr8-142913286-G-A. GRCh37 (hg19) VCF-style: chr8-143994702-G-A.
Other names: short protein forms R374W.
Identifiers: ClinVar variation 4818594 (VCV004818594.1).

ClinVar aggregate classification (germline): Likely pathogenic (1 of 4 stars; one submission).

Conditions:
Corticosterone methyl oxidase type II deficiency.

Submission:

Natera, Inc.
Classification: Likely pathogenic for Corticosterone methyl oxidase type II deficiency. Last evaluated: 2025-07-23. Review status: criteria provided, single submitter. Criteria: Natera Variant Classification Schema (03/2026). Collection method: clinical testing. Allele origin: germline.
Comment: The c.1120C>T variant in CYP11B2 is a missense variant predicted to cause substitution of arginine to tryptophan at amino acid 374. This variant is rare in the general population with a frequency below the threshold expected for the associated phenotype(s). This variant has been observed in one or more individuals affected with the associated recessive disease, as either homozygous or compound heterozygous with a second variant (PMID: 20494601). Additionally, this variant has been observed to segregate in affected family members (PMID: 20494601). Functional studies show that this variant may disrupt protein function (PMID: 20494601). Computational prediction algorithms indicate this variant is likely to affect gene or protein function. Given the available evidence, this variant is classified as Likely Pathogenic.

Literature cited by the submitters: PubMed 20494601.